The following is an entry in ClinVar:

NM_052989.3(IFT122):c.3697C>T (p.Arg1233Cys)

Gene: IFT122 (intraflagellar transport 122; plus strand). Cytogenetic location: 3q22.1.
Variant type: single nucleotide variant.
Coding change: c.3697C>T on transcript NM_052989.3 (MANE Select); coding-DNA position 3697, C replaced by T.
Protein change: p.Arg1233Cys; replaces arginine 1233 with cysteine.
Molecular consequence: missense variant.
Genome position (GRCh38, 1-based): chr3:129,520,236, C>T. VCF-style: chr3-129520236-C-T. GRCh37 (hg19) VCF-style: chr3-129239079-C-T.
Other names: c.3676C>T, p.Arg1226Cys (NM_001280541.2); c.3247C>T, p.Arg1083Cys (NM_001280545.2); c.3070C>T, p.Arg1024Cys (NM_001280546.2); c.3520C>T, p.Arg1174Cys (NM_018262.4); c.3850C>T, p.Arg1284Cys (NM_052985.4); c.3367C>T, p.Arg1123Cys (NM_052990.3); short protein forms R1123C, R1233C, R1284C, R1083C, R1226C, R1024C, R1174C.
Identifiers: ClinVar variation 942077 (VCV000942077.7), dbSNP rs778449955, ClinGen allele CA2607012.

ClinVar aggregate classification (germline): Uncertain significance (1 of 4 stars; one submission).

Conditions:
Cranioectodermal dysplasia 1 (CED1). Also called: LEVIN SYNDROME I. Identifiers: Orphanet 1515, MedGen C0432235, MONDO:0021093, OMIM 218330.

Allele frequency attached by ClinVar (database versions not stated): gnomAD exomes 0.00001 and 0.00002; TOPMed 0.00001; ExAC 0.00002; gnomAD 0.00003.
gnomAD v4.1: 16 of 1,611,242 alleles (0.00099%); highest among the groups gnomAD compares: Admixed American, 0.005%; no homozygotes.

Submission:

Labcorp Genetics (formerly Invitae), Labcorp
Classification: Uncertain significance for Cranioectodermal dysplasia 1. Last evaluated: 2021-08-27. Review status: criteria provided, single submitter. Criteria: Invitae Variant Classification Sherloc (09022015). Collection method: clinical testing. Allele origin: germline.
Comment: This sequence change replaces arginine with cysteine at codon 1284 of the IFT122 protein (p.Arg1284Cys). The arginine residue is highly conserved and there is a large physicochemical difference between arginine and cysteine. This variant is present in population databases (rs778449955, ExAC 0.003%). This variant has not been reported in the literature in individuals affected with IFT122-related conditions. Algorithms developed to predict the effect of missense changes on protein structure and function (SIFT, PolyPhen-2, Align-GVGD) all suggest that this variant is likely to be disruptive. In summary, the available evidence is currently insufficient to determine the role of this variant in disease. Therefore, it has been classified as a Variant of Uncertain Significance.